The following is an entry in ClinVar:

ClinVar aggregate classification (germline): Likely benign (1 of 4 stars; one submission).

Allele frequency attached by ClinVar (database versions not stated): gnomAD 0.00908; TOPMed 0.01031; 1000 Genomes Project 0.01038; 1000 Genomes Project 30x 0.01077; gnomAD exomes 0.01584.
gnomAD v4.1: 13,935 of 924,072 alleles (1.5%); highest among the groups gnomAD compares: South Asian, 3%; 164 homozygotes.

Submission:

GeneDx
Classification: Likely benign. Last evaluated: 2018-06-16. Review status: criteria provided, single submitter. Criteria: GeneDx Variant Classification (06012015). Collection method: clinical testing. Allele origin: germline. Affected: yes.
Comment: This variant is considered likely benign or benign based on one or more of the following criteria: it is a conservative change, it occurs at a poorly conserved position in the protein, it is predicted to be benign by multiple in silico algorithms, and/or has population frequency not consistent with disease.

NM_182961.4(SYNE1):c.19894-135G>C

Gene: SYNE1 (spectrin repeat containing nuclear envelope protein 1; minus strand). Cytogenetic location: 6q25.2.
Variant type: single nucleotide variant.
Coding change: c.19894-135G>C on transcript NM_182961.4 (MANE Select); 135 bases into the intron before coding-DNA position 19894, G replaced by C.
Molecular consequence: intron variant.
Genome position (GRCh38, 1-based): chr6:152,239,841, C>G on the plus strand (G>C on the coding strand, the complement: SYNE1 is on the minus strand). VCF-style: chr6-152239841-C-G. GRCh37 (hg19) VCF-style: chr6-152560976-C-G.
Other names: c.19681-135G>C (NM_033071.5).
Identifiers: ClinVar variation 672807 (VCV000672807.1), dbSNP rs141034939, ClinGen allele CA150195221.